The following is an entry in ClinVar:

ClinVar aggregate classification (germline): Conflicting classifications of pathogenicity. Review status: criteria provided, conflicting classifications (1 of 4 stars). 4 submissions from 4 submitters: Uncertain significance (3); Likely benign (1). Last evaluated 2025-04-29.

Conditions:
Hereditary cancer-predisposing syndrome. Also called: Neoplastic Syndromes, Hereditary; Hereditary neoplastic syndrome; Tumor predisposition; Hereditary Cancer Syndrome. Identifiers: Orphanet 140162, MedGen C0027672, MeSH D009386, MONDO:0015356.
Hereditary breast ovarian cancer syndrome. Also called: Hereditary breast and ovarian cancer syndrome (HBOC); BRCA1- and BRCA2-Associated Hereditary Breast and Ovarian Cancer; Hereditary breast and/or ovarian cancer syndrome; Hereditary breast and ovarian cancer syndrome; Hereditary breast and ovarian cancer; Breast and ovarian cancer. Identifiers: Orphanet 145, MedGen C0677776, MeSH D061325, MONDO:0003582. Disease mechanism: loss of function.
Breast-ovarian cancer, familial, susceptibility to, 1 (BROVCA1). Also called: BRCA1 Hereditary Breast and Ovarian Cancer; OVARIAN CANCER, SUSCEPTIBILITY TO. Identifiers: Orphanet 145, MedGen C2676676, MONDO:0011450, OMIM 604370. Disease mechanism: loss of function.

gnomAD v4.1: 1 of 1,613,522 alleles (0.000062%); highest among the groups gnomAD compares: Non-Finnish European, 0.000085%; no homozygotes.

Submissions (4):

Labcorp Genetics (formerly Invitae), Labcorp
Classification: Uncertain significance for Hereditary breast ovarian cancer syndrome. Last evaluated: 2025-04-29. Review status: criteria provided, single submitter. Criteria: Invitae Variant Classification Sherloc (09022015). Collection method: clinical testing. Allele origin: germline.
Comment: This sequence change replaces threonine, which is neutral and polar, with alanine, which is neutral and non-polar, at codon 1349 of the BRCA1 protein (p.Thr1349Ala). This variant is not present in population databases (gnomAD no frequency). This variant has not been reported in the literature in individuals affected with BRCA1-related conditions. ClinVar contains an entry for this variant (Variation ID: 462628). Invitae Evidence Modeling of protein sequence and biophysical properties (such as structural, functional, and spatial information, amino acid conservation, physicochemical variation, residue mobility, and thermodynamic stability) indicates that this missense variant is not expected to disrupt BRCA1 protein function with a negative predictive value of 80%. In summary, the available evidence is currently insufficient to determine the role of this variant in disease. Therefore, it has been classified as a Variant of Uncertain Significance.

Ambry Genetics
Classification: Uncertain significance for Hereditary cancer-predisposing syndrome. Last evaluated: 2025-04-02. Review status: criteria provided, single submitter. Criteria: Ambry Variant Classification Scheme 2023. Collection method: clinical testing. Allele origin: germline.
Comment: The p.T1349A variant (also known as c.4045A>G), located in coding exon 9 of the BRCA1 gene, results from an A to G substitution at nucleotide position 4045. The threonine at codon 1349 is replaced by alanine, an amino acid with similar properties. This amino acid position is not well conserved in available vertebrate species. In addition, this alteration is predicted to be tolerated by in silico analysis. Based on the available evidence, the clinical significance of this variant remains unclear.

All of Us Research Program, National Institutes of Health
Classification: Uncertain significance for Breast-ovarian cancer, familial, susceptibility to, 1. Last evaluated: 2023-06-15. Review status: criteria provided, single submitter. Criteria: ACMG Guidelines, 2015. Collection method: clinical testing. Allele origin: germline. Inheritance: Autosomal dominant inheritance. Observed: 2 variant alleles, 2 heterozygotes.
Comment: This missense variant replaces threonine with alanine at codon 1349 of the BRCA1 protein. Computational prediction suggests that this variant may not impact protein structure and function (internally defined REVEL score threshold <= 0.5, PMID: 27666373). To our knowledge, functional studies have not been reported for this variant. This variant has not been reported in individuals affected with hereditary cancer in the literature. This variant has not been identified in the general population by the Genome Aggregation Database (gnomAD). The available evidence is insufficient to determine the role of this variant in disease conclusively. Therefore, this variant is classified as a Variant of Uncertain Significance.

This study involves interpretation of variants in research participants for the purpose of population health screening. Participant phenotype was not available at the time of variant classification. Additional details can be found in publication PMID: 35346344, PMCID: PMC8962531

University of Washington Department of Laboratory Medicine, University of Washington
Classification: Likely benign for Hereditary cancer-predisposing syndrome. Last evaluated: 2023-03-23. Review status: criteria provided, single submitter. Criteria: Dines et al. (Genet Med. 2020). Collection method: curation. Allele origin: germline.
Comment: Missense variant in a coldspot region where missense variants are very unlikely to be pathogenic (PMID:31911673).

BRCA1 coldspot (exon 11 using historical exon numbering). Reclassification based on statistical prior probability

NM_007294.4(BRCA1):c.4045A>G (p.Thr1349Ala)

Genes: BRCA1 (BRCA1 DNA repair associated; minus strand), LOC126862571 (BRD4-independent group 4 enhancer GRCh37_chr17:41243136-41244335; plus strand). Cytogenetic location: 17q21.31.
Variant type: single nucleotide variant.
Coding change: c.4045A>G on transcript NM_007294.4 (MANE Select); coding-DNA position 4045, A replaced by G.
Protein change: p.Thr1349Ala; replaces threonine 1349 with alanine.
Molecular consequence: missense variant. On other transcripts: intron variant (135).
Genome position (GRCh38, 1-based): chr17:43,091,486, T>C on the plus strand (A>G on the coding strand, the complement: BRCA1 is on the minus strand). VCF-style: chr17-43091486-T-C. GRCh37 (hg19) VCF-style: chr17-41243503-T-C.
Other names: c.4045A>G, p.Thr1349Ala (NM_001407858.1, NM_001407859.1, NM_007300.4 and 30 more transcripts); c.4042A>G, p.Thr1348Ala (NM_001407860.1, NM_001407861.1, NM_001407587.1 and 22 more transcripts); c.3844A>G, p.Thr1282Ala (NM_001407862.1); c.3922A>G, p.Thr1308Ala (NM_001407863.1, NM_001407919.1, NM_001407937.1 and 19 more transcripts); c.3841A>G, p.Thr1281Ala (NM_001407874.1, NM_001407875.1); c.3835A>G, p.Thr1279Ala (NM_001407879.1, NM_001407881.1, NM_001407882.1 and 13 more transcripts); c.3832A>G, p.Thr1278Ala (NM_001407894.1, NM_001407895.1, NM_001407896.1 and 9 more transcripts); c.3781A>G, p.Thr1261Ala (NM_001407920.1, NM_001407921.1, NM_001407922.1 and 9 more transcripts); and 41 more; short protein forms T1349A, T1302A, T1181A, T1221A, T1238A, T1261A, T1282A, T1322A.
Identifiers: ClinVar variation 462628 (VCV000462628.18), dbSNP rs80357231, ClinGen allele CA10593870.
Genomic context (GRCh38, chr17:43,091,486, plus strand): 5'-TTCCAATACCTAAGTTTGAATCCATGCTTTGCTCTTCTTGATTATTTTCTTCCAAGCCCG[T>C]TCCTCTTTCTTCATCATCTGAAACCAATTCCTTGTCACTCAGACCAACTCCCTGGCTTTC-3'
Protein context (NP_009225.1, residues 1339-1359): ELVSDDEERG[Thr1349Ala]GLEENNQEEQ